The following is an entry in ClinVar:

NM_018136.5(ASPM):c.8377dup (p.Met2793fs)

Gene: ASPM (assembly factor for spindle microtubules; minus strand). Cytogenetic location: 1q31.3.
Variant type: Duplication.
Coding change: c.8377dup on transcript NM_018136.5 (MANE Select); coding-DNA position 8377, one base duplicated (A; older notation c.8377dupA).
Protein change: p.Met2793fs; shifts the reading frame from methionine 2793.
Molecular consequence: frameshift variant. On other transcripts: intron variant (1).
Genome position (GRCh38, 1-based): chr1:197,100,874, T duplicated on the plus strand (A on the coding strand, the reverse complement: ASPM is on the minus strand). VCF-style (leftmost placement, unchanged base first): chr1-197100873-A-AT. GRCh37 (hg19) VCF-style: chr1-197070003-A-AT.
Other names: c.4066-4710dup (NM_001206846.2); short protein forms M2793fs.
Identifiers: ClinVar variation 2821065 (VCV002821065.3), dbSNP rs2527288755, ClinGen allele CA2739275492.

ClinVar aggregate classification (germline): Pathogenic (1 of 4 stars; one submission).

Submission:

Labcorp Genetics (formerly Invitae), Labcorp
Classification: Pathogenic. Last evaluated: 2023-10-13. Review status: criteria provided, single submitter. Criteria: Invitae Variant Classification Sherloc (09022015). Collection method: clinical testing. Allele origin: germline.
Comment: This sequence change creates a premature translational stop signal (p.Met2793Asnfs*7) in the ASPM gene. It is expected to result in an absent or disrupted protein product. Loss-of-function variants in ASPM are known to be pathogenic (PMID: 19028728, 23611254). This variant is not present in population databases (gnomAD no frequency). This variant has not been reported in the literature in individuals affected with ASPM-related conditions. For these reasons, this variant has been classified as Pathogenic.

Literature cited by the submitters: PubMed 19028728; PubMed 23611254.